The following is an entry in ClinVar:

NM_005529.7(HSPG2):c.12073G>A (p.Gly4025Ser)

Gene: HSPG2 (heparan sulfate proteoglycan 2; minus strand). Cytogenetic location: 1p36.12.
Variant type: single nucleotide variant.
Coding change: c.12073G>A on transcript NM_005529.7 (MANE Select); coding-DNA position 12073, G replaced by A.
Protein change: p.Gly4025Ser; replaces glycine 4025 with serine.
Molecular consequence: missense variant.
Genome position (GRCh38, 1-based): chr1:21,828,999, C>T on the plus strand (G>A on the coding strand, the complement: HSPG2 is on the minus strand). VCF-style: chr1-21828999-C-T. GRCh37 (hg19) VCF-style: chr1-22155492-C-T.
Other names: c.12076G>A, p.Gly4026Ser (NM_001291860.2); short protein forms G4026S, G4025S.
Identifiers: ClinVar variation 1492682 (VCV001492682.6), dbSNP rs755625592, ClinGen allele CA669528.

ClinVar aggregate classification (germline): Uncertain significance (1 of 4 stars; one submission).

Allele frequency attached by ClinVar (database versions not stated): gnomAD exomes 0.00001 and 0.00002.
gnomAD v4.1: 17 of 1,568,240 alleles (0.0011%); highest among the groups gnomAD compares: Middle Eastern, 0.017%; no homozygotes.

Submission:

Labcorp Genetics (formerly Invitae), Labcorp
Classification: Uncertain significance. Last evaluated: 2021-08-05. Review status: criteria provided, single submitter. Criteria: Invitae Variant Classification Sherloc (09022015). Collection method: clinical testing. Allele origin: germline.
Comment: This sequence change replaces glycine with serine at codon 4025 of the HSPG2 protein (p.Gly4025Ser). The glycine residue is moderately conserved and there is a small physicochemical difference between glycine and serine. The frequency data for this variant in the population databases is considered unreliable, as metrics indicate poor data quality at this position in the ExAC database. This variant has not been reported in the literature in individuals affected with HSPG2-related conditions. Algorithms developed to predict the effect of missense changes on protein structure and function are either unavailable or do not agree on the potential impact of this missense change (SIFT: "Tolerated"; PolyPhen-2: "Probably Damaging"; Align-GVGD: "Class C0"). In summary, the available evidence is currently insufficient to determine the role of this variant in disease. Therefore, it has been classified as a Variant of Uncertain Significance.